The following is an entry in ClinVar:

arr[hg19] 9q2(96,226,955-97,320,408)x3

Genes: BARX1 (BARX homeobox 1; minus strand), FAM120A (family with sequence similarity 120 member A; plus strand), FAM120AOS (family with sequence similarity 120 member A opposite strand; minus strand), FBP1 (fructose-bisphosphatase 1; minus strand), FBP2 (fructose-bisphosphatase 2; minus strand) and 8 more. Cytogenetic location: 9q22.31-22.32.
Variant type: Duplication.
Identifiers: ClinVar variation 873324 (VCV000873324.3).

ClinVar aggregate classification (germline): Likely pathogenic (1 of 4 stars; one submission).

Conditions:
Mild short stature. Identifiers: MedGen C3150077, HP:0003502.
Delayed gross motor development. Identifiers: MedGen C1837658, HP:0002194.
Expressive language delay. Identifiers: MedGen C0454641, HP:0002474.
Hiatus hernia. Also called: Hiatal hernia. Identifiers: MedGen C3489393, MONDO:0007721, OMIM 142400, HP:0002036.
Microcephaly. Also called: Microcephaly (disease). Identifiers: MedGen C4551563, MONDO:0001149, HP:0000252.
Delayed fine motor development. Identifiers: MedGen C4023681, HP:0010862.

Submission:

Genetics and Genomics, Alberta Children's Hospital
Classification: Likely pathogenic for Hiatus hernia; Mild short stature; Microcephaly; Expressive language delay; Delayed gross motor development; Delayed fine motor development. Last evaluated: 2020-05-04. Review status: criteria provided, single submitter. Criteria: ACMG Guidelines, 2015. Collection method: clinical testing. Allele origin: maternal. Inheritance: Autosomal dominant inheritance. Affected: yes. Observed: 7 variant alleles, 7 heterozygotes.
Comment: This duplication was classified as likely pathogenic due to segregation studies and its absence from controls.